The following is an entry in ClinVar:

ClinVar aggregate classification (germline): Likely pathogenic (1 of 4 stars; one submission).

Conditions:
Nemaline myopathy 2 (NEM2). Also called: Nemaline myopathy 2, autosomal recessive. Identifiers: MedGen C1850569, MONDO:0009725, OMIM 256030.

Submission:

Myriad Genetics, Inc.
Classification: Likely pathogenic for Nemaline myopathy 2. Last evaluated: 2022-01-27. Review status: criteria provided, single submitter. Criteria: Myriad Women's Health Autosomal Recessive and X-Linked Classification Criteria (2021). Collection method: clinical testing. Allele origin: unknown.
Comment: NM_001271208.1(NEB):c.4656T>A(Y1552*) is expected to be pathogenic in the context of NEB-related nemaline myopathy. This variant is predicted to lead to an abnormal or absent protein product due to the creation of a premature termination codon in NEB, a gene where loss-of-function variants are known to be pathogenic. Please note: this variant was assessed in the context of healthy population screening.

NM_001164508.2(NEB):c.4656T>A (p.Tyr1552Ter)

Gene: NEB (nebulin; minus strand). Cytogenetic location: 2q23.3.
Variant type: single nucleotide variant.
Coding change: c.4656T>A on transcript NM_001164508.2 (MANE Select); coding-DNA position 4656, T replaced by A.
Protein change: p.Tyr1552Ter; replaces tyrosine 1552 with a stop codon.
Molecular consequence: nonsense.
Genome position (GRCh38, 1-based): chr2:151,667,867, A>T on the plus strand (T>A on the coding strand, the complement: NEB is on the minus strand). VCF-style: chr2-151667867-A-T. GRCh37 (hg19) VCF-style: chr2-152524381-A-T.
Other names: c.4656T>A, p.Tyr1552Ter (NM_001164507.2, NM_001271208.2, NM_004543.5); short protein forms Y1552*.
Identifiers: ClinVar variation 1726717 (VCV001726717.2), dbSNP rs2552258949, ClinGen allele CA348814310.
Genomic context (GRCh38, chr2:151,667,867, plus strand): 5'-ACTAGCAATATTCCTTGAACTTTTTGCAGCAACAATTGGGATGGCATCTGGTCTCAAATC[A>T]TAGCCCTTGGCAATGGTTTTCTTCCAATCTGCTTTATAATGAGCCTTCAAAAAAGTAGAG-3'